The following is an entry in ClinVar:

ClinVar aggregate classification (germline): Pathogenic. Review status: no assertion criteria provided (0 of 4 stars). 2 submissions from 2 submitters: Pathogenic (1). 1 of the submissions does not count toward it.

Conditions:
Hereditary von Willebrand disease. Identifiers: Orphanet 903, MedGen C5703318, MONDO:0019565. Inheritance: Autosomal recessive or Autosomal dominant.

Allele frequency attached by ClinVar (database versions not stated): ExAC 0.00001; gnomAD 0.00001; gnomAD exomes 0.00001 and 0.00002.
gnomAD v4.1: 12 of 1,613,638 alleles (0.00074%); highest among the groups gnomAD compares: East Asian, 0.0045%; no homozygotes.

Submissions (2):

Academic Unit of Haematology, University of Sheffield
No classification provided. Review status: no classification provided. Collection method: not provided. Allele origin: not provided. Not counted in ClinVar's aggregate classification.

ISTH-SSC Genomics in Thrombosis and Hemostasis, KU Leuven, Center for Molecular and Vascular Biology
Classification: Pathogenic for von Willebrand disorder. Review status: no assertion criteria provided. Collection method: clinical testing. Allele origin: paternal. Affected: yes.
Comment: Submitted to GoldVariant by Prof Kathleen Freson from Center for Molecular and Vascular Biology, Leuven, Belgium

NM_000552.5(VWF):c.7437G>A (p.Ser2479=)

Gene: VWF (von Willebrand factor; minus strand). Cytogenetic location: 12p13.31.
Variant type: single nucleotide variant.
Coding change: c.7437G>A on transcript NM_000552.5 (MANE Select); coding-DNA position 7437, G replaced by A.
Protein change: p.Ser2479=; no amino-acid change (serine 2479 retained).
Molecular consequence: synonymous variant.
Genome position (GRCh38, 1-based): chr12:5,976,111, C>T on the plus strand (G>A on the coding strand, the complement: VWF is on the minus strand). VCF-style: chr12-5976111-C-T. GRCh37 (hg19) VCF-style: chr12-6085277-C-T.
Identifiers: ClinVar variation 100473 (VCV000100473.2), dbSNP rs267607363, ClinGen allele CA228797.